The following is an entry in ClinVar:

ClinVar aggregate classification (germline): Uncertain significance (1 of 4 stars; one submission).

gnomAD v4.1: 1 of 1,614,206 alleles (0.000062%); highest among the groups gnomAD compares: Non-Finnish European, 0.000085%; no homozygotes.

Submission:

Ambry Genetics
Classification: Uncertain significance. Last evaluated: 2025-03-24. Review status: criteria provided, single submitter. Criteria: Ambry Variant Classification Scheme 2023. Collection method: clinical testing. Allele origin: germline.
Comment: The p.P1332R variant (also known as c.3995C>G), located in coding exon 14 of the CDK12 gene, results from a C to G substitution at nucleotide position 3995. The proline at codon 1332 is replaced by arginine, an amino acid with dissimilar properties. This amino acid position is conserved. In addition, this alteration is predicted to be tolerated by in silico analysis. Based on the available evidence, the clinical significance of this variant remains unclear.

NM_016507.4(CDK12):c.3995C>G (p.Pro1332Arg)

Gene: CDK12 (cyclin dependent kinase 12; plus strand). Cytogenetic location: 17q12.
Variant type: single nucleotide variant.
Coding change: c.3995C>G on transcript NM_016507.4 (MANE Select); coding-DNA position 3995, C replaced by G.
Protein change: p.Pro1332Arg; replaces proline 1332 with arginine.
Molecular consequence: missense variant.
Genome position (GRCh38, 1-based): chr17:39,530,838, C>G. VCF-style: chr17-39530838-C-G. GRCh37 (hg19) VCF-style: chr17-37687091-C-G.
Other names: c.3968C>G, p.Pro1323Arg (NM_015083.4); short protein forms P1323R, P1332R.
Identifiers: ClinVar variation 3999262 (VCV003999262.1).